The following is an entry in ClinVar:

NM_000204.5(CFI):c.865G>A (p.Asp289Asn)

Gene: CFI (complement factor I; minus strand). Cytogenetic location: 4q25.
Variant type: single nucleotide variant.
Coding change: c.865G>A on transcript NM_000204.5 (MANE Select); coding-DNA position 865, G replaced by A.
Protein change: p.Asp289Asn; replaces aspartic acid 289 with asparagine.
Molecular consequence: missense variant. On other transcripts: non-coding transcript variant (3).
Genome position (GRCh38, 1-based): chr4:109,760,288, C>T on the plus strand (G>A on the coding strand, the complement: CFI is on the minus strand). VCF-style: chr4-109760288-C-T. GRCh37 (hg19) VCF-style: chr4-110681444-C-T.
Other names: c.865G>A, p.Asp289Asn (NM_001318057.2, NM_001331035.2, NM_001375278.1 and 10 more transcripts); c.256G>A, p.Asp86Asn (NM_001375284.1); short protein forms D289N, D86N.
Identifiers: ClinVar variation 4976863 (VCV004976863.1).

ClinVar aggregate classification (germline): Uncertain significance (1 of 4 stars; one submission).

Conditions:
CFI-related disorder. Also called: CFI-related condition; CFI-related disorders. Identifiers: MedGen CN239325.

Submission:

Genomenon, Inc
Classification: Uncertain significance for CFI-related disorder. Last evaluated: 2026-09-17. Review status: criteria provided, single submitter. Criteria: Genomenon Sequence Variant Interpretation Standards - Updated. Collection method: curation. Allele origin: germline. Affected: no.
Comment: CFI p.Asp289Asn (c.865G>A) is a missense variant that changes the amino acid at codon 289 from Aspartic acid to Asparagine. This variant has been reported in the published literature (PMID:21316765). It is absent or not present at a significant frequency in gnomAD. In silico models predict that this variant is possibly or probably damaging. In conclusion, we classify CFI p.Asp289Asn (c.865G>A) as a variant of uncertain significance.

Literature cited by the submitters: PubMed 21316765.